The following is an entry in ClinVar:

ClinVar aggregate classification (germline): Uncertain significance (1 of 4 stars; one submission).

Submission:

Labcorp Genetics (formerly Invitae), Labcorp
Classification: Uncertain significance. Last evaluated: 2022-08-19. Review status: criteria provided, single submitter. Criteria: Invitae Variant Classification Sherloc (09022015). Collection method: clinical testing. Allele origin: germline.
Comment: Algorithms developed to predict the effect of missense changes on protein structure and function output the following: SIFT: "Deleterious"; PolyPhen-2: "Benign"; Align-GVGD: "Class C0". The glycine amino acid residue is found in multiple mammalian species, which suggests that this missense change does not adversely affect protein function. This variant has not been reported in the literature in individuals affected with MOCS2B-related conditions. This variant is not present in population databases (gnomAD no frequency). This sequence change replaces glutamic acid, which is acidic and polar, with glycine, which is neutral and non-polar, at codon 171 of the MOCS2B protein (p.Glu171Gly). In summary, the available evidence is currently insufficient to determine the role of this variant in disease. Therefore, it has been classified as a Variant of Uncertain Significance.

NM_004531.5(MOCS2):c.512A>G (p.Glu171Gly)

Gene: MOCS2 (molybdenum cofactor synthesis 2; minus strand). Cytogenetic location: 5q11.2.
Variant type: single nucleotide variant.
Coding change: c.512A>G on transcript NM_004531.5 (MANE Select); coding-DNA position 512, A replaced by G.
Protein change: p.Glu171Gly; replaces glutamic acid 171 with glycine.
Molecular consequence: missense variant. On other transcripts: 3 prime UTR variant (1).
Genome position (GRCh38, 1-based): chr5:53,098,657, T>C on the plus strand (A>G on the coding strand, the complement: MOCS2 is on the minus strand). VCF-style: chr5-53098657-T-C. GRCh37 (hg19) VCF-style: chr5-52394487-T-C.
Other names: c.*432A>G (NM_176806.4); c.512A>G, p.Glu171Gly (NM_183418.1); short protein forms E171G.
Identifiers: ClinVar variation 2043497 (VCV002043497.4), dbSNP rs1740821964, ClinGen allele CA359692662.